The following is an entry in ClinVar:

NM_000153.4(GALC):c.119G>A (p.Gly40Asp)

Gene: GALC (galactosylceramidase; minus strand). Cytogenetic location: 14q31.3.
Variant type: single nucleotide variant.
Coding change: c.119G>A on transcript NM_000153.4 (MANE Select); coding-DNA position 119, G replaced by A.
Protein change: p.Gly40Asp; replaces glycine 40 with aspartic acid.
Molecular consequence: missense variant. On other transcripts: intron variant (1).
Genome position (GRCh38, 1-based): chr14:87,993,046, C>T on the plus strand (G>A on the coding strand, the complement: GALC is on the minus strand). VCF-style: chr14-87993046-C-T. GRCh37 (hg19) VCF-style: chr14-88459390-C-T.
Other names: c.119G>A, p.Gly40Asp (NM_001201401.2); c.117+337G>A (NM_001201402.2); short protein forms G40D.
Identifiers: ClinVar variation 558513 (VCV000558513.5), dbSNP rs572947747, ClinGen allele CA390771798.
Genomic context (GRCh38, chr14:87,993,046, plus strand): 5'-GCGCCGATGCCGTCGAACTCCCGGCCCAGCCCGTCGGAGTCGTCGAGCACGTACGCGCCG[C>T]CGGGCGCCAGCAGCGCACACAGCAGCAAGGGCACCGCGGCGCGGCCCGCCGAACCCGCGG-3'
Protein context (NP_000144.2, residues 30-50): PLLLCALLAP[Gly40Asp]GAYVLDDSDG

ClinVar aggregate classification (germline): Uncertain significance. Review status: criteria provided, multiple submitters, no conflicts (2 of 4 stars). 3 submissions from 3 submitters: Uncertain significance (2). 1 of the submissions does not count toward it. Last evaluated 2022-04-29.

Conditions:
Galactosylceramide beta-galactosidase deficiency. Also called: Leukodystrophy, Globoid Cell; Krabbe Disease; GALACTOCEREBROSIDASE DEFICIENCY; GALC DEFICIENCY; GLOBOID CELL LEUKOENCEPHALOPATHY. Identifiers: Orphanet 487, MedGen C0023521, MONDO:0009499, OMIM 245200.
Inborn genetic diseases. Identifiers: MedGen C0950123, MeSH D030342.

gnomAD v4.1: 5 of 1,557,578 alleles (0.00032%); highest among the groups gnomAD compares: Admixed American, 0.0019%; no homozygotes.

Submissions (3):

Labcorp Genetics (formerly Invitae), Labcorp
Classification: Uncertain significance for Galactosylceramide beta-galactosidase deficiency. Last evaluated: 2022-04-29. Review status: criteria provided, single submitter. Criteria: Invitae Variant Classification Sherloc (09022015). Collection method: clinical testing. Allele origin: germline.
Comment: This sequence change replaces glycine, which is neutral and non-polar, with aspartic acid, which is acidic and polar, at codon 40 of the GALC protein (p.Gly40Asp). This variant is not present in population databases (gnomAD no frequency). This variant has not been reported in the literature in individuals affected with GALC-related conditions. ClinVar contains an entry for this variant (Variation ID: 558513). Advanced modeling of protein sequence and biophysical properties (such as structural, functional, and spatial information, amino acid conservation, physicochemical variation, residue mobility, and thermodynamic stability) performed at Invitae indicates that this missense variant is not expected to disrupt GALC protein function. In summary, the available evidence is currently insufficient to determine the role of this variant in disease. Therefore, it has been classified as a Variant of Uncertain Significance.

Ambry Genetics
Classification: Uncertain significance for Inborn genetic diseases. Last evaluated: 2021-06-22. Review status: criteria provided, single submitter. Criteria: Ambry Variant Classification Scheme 2023. Collection method: clinical testing. Allele origin: germline.

Counsyl
Classification: Uncertain significance for Galactosylceramide beta-galactosidase deficiency. Last evaluated: 2018-05-24. Review status: no assertion criteria provided. Collection method: clinical testing. Allele origin: unknown. Not counted in ClinVar's aggregate classification.